The following is an entry in ClinVar:

ClinVar aggregate classification (germline): Uncertain significance (1 of 4 stars; one submission).

Conditions:
Hereditary cancer-predisposing syndrome. Also called: Neoplastic Syndromes, Hereditary; Tumor predisposition; Hereditary Cancer Syndrome; Hereditary neoplastic syndrome. Identifiers: Orphanet 140162, MedGen C0027672, MeSH D009386, MONDO:0015356.

Submission:

Ambry Genetics
Classification: Uncertain significance for Hereditary cancer-predisposing syndrome. Last evaluated: 2022-09-02. Review status: criteria provided, single submitter. Criteria: Ambry Variant Classification Scheme 2023. Collection method: clinical testing. Allele origin: germline.
Comment: The p.N709Y variant (also known as c.2125A>T), located in coding exon 15 of the APC gene, results from an A to T substitution at nucleotide position 2125. The asparagine at codon 709 is replaced by tyrosine, an amino acid with dissimilar properties. This amino acid position is conserved. In addition, in silico predictors for this gene do not accurately predict pathogenicity. Since supporting evidence is limited at this time, the clinical significance of this alteration remains unclear.

NM_000038.6(APC):c.2125A>T (p.Asn709Tyr)

Gene: APC (APC regulator of Wnt signaling pathway; plus strand). Cytogenetic location: 5q22.2.
Variant type: single nucleotide variant.
Coding change: c.2125A>T on transcript NM_000038.6 (MANE Select); coding-DNA position 2125, A replaced by T.
Protein change: p.Asn709Tyr; replaces asparagine 709 with tyrosine.
Molecular consequence: missense variant.
Genome position (GRCh38, 1-based): chr5:112,837,719, A>T. VCF-style: chr5-112837719-A-T. GRCh37 (hg19) VCF-style: chr5-112173416-A-T.
Other names: c.2125A>T, p.Asn709Tyr (NM_001127510.3, NM_001354895.2, NM_001407450.1); c.2071A>T, p.Asn691Tyr (NM_001127511.3); c.2179A>T, p.Asn727Tyr (NM_001354896.2, NM_001407447.1, NM_001407448.1 and 1 more transcripts); c.2155A>T, p.Asn719Tyr (NM_001354897.2); c.2050A>T, p.Asn684Tyr (NM_001354898.2); c.2041A>T, p.Asn681Tyr (NM_001354899.2); c.2002A>T, p.Asn668Tyr (NM_001354900.2); c.1948A>T, p.Asn650Tyr (NM_001354901.2, NM_001407453.1); and 11 more; short protein forms N618Y, N699Y, N325Y, N549Y, N650Y, N691Y, N702Y, N426Y.
Identifiers: ClinVar variation 1786307 (VCV001786307.2), dbSNP rs1064793601, ClinGen allele CA16025977.